The following is an entry in ClinVar:

ClinVar aggregate classification (germline): Benign. Review status: criteria provided, multiple submitters, no conflicts (2 of 4 stars). 6 submissions from 6 submitters: Benign (4). 2 of the submissions do not count toward it. Last evaluated 2026-02-03.

Conditions:
Hyperprolinemia type 2 (HYRPRO2). Also called: 1-PYRROLINE-5-CARBOXYLATE DEHYDROGENASE DEFICIENCY; Deficiency of pyrroline-5-carboxylate reductase; Delta-1-pyrroline-5-carboxylate dehydrogenase deficiency. Identifiers: Orphanet 79101, MedGen C2931835, MONDO:0009401, OMIM 239510.

Allele frequency attached by ClinVar (database versions not stated): ESP Exome Variant Server 0.70221; gnomAD 0.71129 and 0.71395; TOPMed 0.72283; ExAC 0.72982; gnomAD exomes 0.73215; 1000 Genomes Project 30x 0.73704; 1000 Genomes Project 0.73722.
gnomAD v4.1: 1,167,789 of 1,613,800 alleles (72%); highest among the groups gnomAD compares: Admixed American, 81%; 423,345 homozygotes.

Submissions (6):

Labcorp Genetics (formerly Invitae), Labcorp
Classification: Benign for Hyperprolinemia type 2. Last evaluated: 2026-02-03. Review status: criteria provided, single submitter. Criteria: Invitae Variant Classification Sherloc (09022015). Collection method: clinical testing. Allele origin: germline.

Genome-Nilou Lab
Classification: Benign for Hyperprolinemia type 2. Last evaluated: 2021-07-14. Review status: criteria provided, single submitter. Criteria: ACMG Guidelines, 2015. Collection method: clinical testing. Allele origin: germline. Affected: no.

Illumina Laboratory Services, Illumina
Classification: Benign for Hyperprolinemia type 2. Last evaluated: 2018-01-13. Review status: criteria provided, single submitter. Criteria: ICSL Variant Classification Criteria 13 December 2019. Collection method: clinical testing. Allele origin: germline.
Comment: This variant was observed in the ICSL laboratory as part of a predisposition screen in an ostensibly healthy population. It had not been previously curated by ICSL or reported in the Human Gene Mutation Database (HGMD: prior to June 1st, 2018), and was therefore a candidate for classification through an automated scoring system. Utilizing variant allele frequency, disease prevalence and penetrance estimates, and inheritance mode, an automated score was calculated to assess if this variant is too frequent to cause the disease. Based on the score and internal cut-off values, a variant classified as benign is not then subjected to further curation. The score for this variant resulted in a classification of benign for this disease.

Breakthrough Genomics
Classification: Benign. Review status: criteria provided, single submitter. Criteria: ACMG Guidelines, 2015. Collection method: not provided. Allele origin: germline. Inheritance: Autosomal recessive inheritance. Affected: yes.

Diagnostic Laboratory, Department of Genetics, University Medical Center Groningen
Classification: Benign. Review status: no assertion criteria provided. Collection method: clinical testing. Allele origin: germline. Affected: yes. Study: VKGL Data-share Consensus. Not counted in ClinVar's aggregate classification.

Joint Genome Diagnostic Labs from Nijmegen and Maastricht, Radboudumc and MUMC+
Classification: Benign. Review status: no assertion criteria provided. Collection method: clinical testing. Allele origin: germline. Affected: yes. Study: VKGL Data-share Consensus. Not counted in ClinVar's aggregate classification.

NM_003748.4(ALDH4A1):c.1380T>C (p.Asp460=)

Genes: ALDH4A1 (aldehyde dehydrogenase 4 family member A1; minus strand), LOC120893116 (Sharpr-MPRA regulatory region 7483; plus strand). Cytogenetic location: 1p36.13.
Variant type: single nucleotide variant.
Coding change: c.1380T>C on transcript NM_003748.4 (MANE Select); coding-DNA position 1380, T replaced by C.
Protein change: p.Asp460=; no amino-acid change (aspartic acid 460 retained).
Molecular consequence: synonymous variant.
Genome position (GRCh38, 1-based): chr1:18,875,462, A>G on the plus strand (T>C on the coding strand, the complement: ALDH4A1 is on the minus strand). VCF-style: chr1-18875462-A-G. GRCh37 (hg19) VCF-style: chr1-19201956-A-G.
Other names: c.1200T>C, p.Asp400= (NM_001161504.2); c.1227T>C, p.Asp409= (NM_001319218.2); c.1380T>C, p.Asp460= (NM_170726.3).
Identifiers: ClinVar variation 294369 (VCV000294369.22), dbSNP rs2230708, ClinGen allele CA646923.